The following is an entry in ClinVar:

ClinVar aggregate classification (germline): Uncertain significance (1 of 4 stars; one submission).

Conditions:
Charcot-Marie-Tooth disease axonal type 2O. Also called: CHARCOT-MARIE-TOOTH NEUROPATHY, AXONAL, TYPE 2O; CHARCOT-MARIE-TOOTH DISEASE, AXONAL, AUTOSOMAL DOMINANT, TYPE 2O; Charcot-Marie-Tooth Neuropathy Type 2O; Charcot-Marie-Tooth disease, axonal, type 20. Identifiers: Orphanet 284232, MedGen C3280220, MONDO:0013644, OMIM 614228.

Submission:

Labcorp Genetics (formerly Invitae), Labcorp
Classification: Uncertain significance for Charcot-Marie-Tooth disease axonal type 2O. Last evaluated: 2022-02-12. Review status: criteria provided, single submitter. Criteria: Invitae Variant Classification Sherloc (09022015). Collection method: clinical testing. Allele origin: germline.
Comment: This variant has not been reported in the literature in individuals affected with DYNC1H1-related conditions. In summary, the available evidence is currently insufficient to determine the role of this variant in disease. Therefore, it has been classified as a Variant of Uncertain Significance. Algorithms developed to predict the effect of missense changes on protein structure and function (SIFT, PolyPhen-2, Align-GVGD) all suggest that this variant is likely to be tolerated. This variant is not present in population databases (gnomAD no frequency). This sequence change replaces lysine, which is basic and polar, with glutamine, which is neutral and polar, at codon 4228 of the DYNC1H1 protein (p.Lys4228Gln).

NM_001376.5(DYNC1H1):c.12682A>C (p.Lys4228Gln)

Gene: DYNC1H1 (dynein cytoplasmic 1 heavy chain 1; plus strand). Cytogenetic location: 14q32.31.
Variant type: single nucleotide variant.
Coding change: c.12682A>C on transcript NM_001376.5 (MANE Select); coding-DNA position 12682, A replaced by C.
Protein change: p.Lys4228Gln; replaces lysine 4228 with glutamine.
Molecular consequence: missense variant.
Genome position (GRCh38, 1-based): chr14:102,044,043, A>C. VCF-style: chr14-102044043-A-C. GRCh37 (hg19) VCF-style: chr14-102510380-A-C.
Other names: short protein forms K4228Q.
Identifiers: ClinVar variation 2097350 (VCV002097350.4), dbSNP rs2503866003, ClinGen allele CA391042709.